The following is an entry in ClinVar:

NM_002730.4(PRKACA):c.165C>T (p.Phe55=)

Gene: PRKACA (protein kinase cAMP-activated catalytic subunit alpha; minus strand). Cytogenetic location: 19p13.12.
Variant type: single nucleotide variant.
Coding change: c.165C>T on transcript NM_002730.4 (MANE Select); coding-DNA position 165, C replaced by T.
Protein change: p.Phe55=; no amino-acid change (phenylalanine 55 retained).
Molecular consequence: synonymous variant.
Genome position (GRCh38, 1-based): chr19:14,106,832, G>A on the plus strand (C>T on the coding strand, the complement: PRKACA is on the minus strand). VCF-style: chr19-14106832-G-A. GRCh37 (hg19) VCF-style: chr19-14217644-G-A.
Other names: c.393C>T, p.Phe131= (NM_001304349.2); c.141C>T, p.Phe47= (NM_207518.3).
Identifiers: ClinVar variation 743261 (VCV000743261.8), dbSNP rs776568028, ClinGen allele CA9249438.

ClinVar aggregate classification (germline): Likely benign. Review status: criteria provided, multiple submitters, no conflicts (2 of 4 stars). 3 submissions from 3 submitters: Likely benign (2). 1 of the submissions does not count toward it. Last evaluated 2026-06-01.

Conditions:
PRKACA-related disorder. Also called: PRKACA-related condition.

Allele frequency attached by ClinVar (database versions not stated): gnomAD 0.00005; gnomAD exomes 0.00006 and 0.00027; TOPMed 0.00008; ExAC 0.00016.
gnomAD v4.1: 87 of 1,614,060 alleles (0.0054%); highest among the groups gnomAD compares: Admixed American, 0.12%; no homozygotes.

Submissions (3):

CeGaT Center for Human Genetics Tuebingen
Classification: Likely benign. Last evaluated: 2026-06-01. Review status: criteria provided, single submitter. Criteria: CeGaT Center For Human Genetics Tuebingen Variant Classification Criteria Version 2. Collection method: clinical testing. Allele origin: germline. Affected: yes. Observed: 1 variant allele.
Comment: PRKACA: BP4, BP7

Labcorp Genetics (formerly Invitae), Labcorp
Classification: Likely benign. Last evaluated: 2019-12-31. Review status: criteria provided, single submitter. Criteria: Invitae Variant Classification Sherloc (09022015). Collection method: clinical testing. Allele origin: germline.

PreventionGenetics, part of Exact Sciences
Classification: Likely benign for PRKACA-related condition. Last evaluated: 2019-04-30. Review status: no assertion criteria provided. Collection method: clinical testing. Allele origin: germline. Not counted in ClinVar's aggregate classification.
Comment: This variant is classified as likely benign based on ACMG/AMP sequence variant interpretation guidelines (Richards et al. 2015 PMID: 25741868, with internal and published modifications).